The following is an entry in ClinVar:

ClinVar aggregate classification (germline): Uncertain significance (1 of 4 stars; one submission).

Allele frequency attached by ClinVar (database versions not stated): gnomAD 0.00001; gnomAD exomes 0.00001; TOPMed 0.00001; ExAC 0.00002.
gnomAD v4.1: 14 of 1,613,688 alleles (0.00087%); highest among the groups gnomAD compares: Non-Finnish European, 0.00051%; no homozygotes.

Submission:

Labcorp Genetics (formerly Invitae), Labcorp
Classification: Uncertain significance. Last evaluated: 2021-08-31. Review status: criteria provided, single submitter. Criteria: Invitae Variant Classification Sherloc (09022015). Collection method: clinical testing. Allele origin: germline.
Comment: This sequence change replaces isoleucine with threonine at codon 61 of the AP3B2 protein (p.Ile61Thr). The isoleucine residue is highly conserved and there is a moderate physicochemical difference between isoleucine and threonine. This variant is present in population databases (rs757139023, ExAC 0.003%). This variant has not been reported in the literature in individuals affected with AP3B2-related conditions. Algorithms developed to predict the effect of missense changes on protein structure and function are either unavailable or do not agree on the potential impact of this missense change (SIFT: "Deleterious"; PolyPhen-2: "Possibly Damaging"; Align-GVGD: "Class C0"). In summary, the available evidence is currently insufficient to determine the role of this variant in disease. Therefore, it has been classified as a Variant of Uncertain Significance.

NM_001278512.2(AP3B2):c.182T>C (p.Ile61Thr)

Genes: AP3B2 (adaptor related protein complex 3 subunit beta 2; minus strand), CPEB1-AS1 (CPEB1 antisense RNA 1; plus strand). Cytogenetic location: 15q25.2.
Variant type: single nucleotide variant.
Coding change: c.182T>C on transcript NM_001278512.2 (MANE Select); coding-DNA position 182, T replaced by C.
Protein change: p.Ile61Thr; replaces isoleucine 61 with threonine.
Molecular consequence: missense variant.
Genome position (GRCh38, 1-based): chr15:82,689,385, A>G on the plus strand (T>C on the coding strand, the complement: AP3B2 is on the minus strand). VCF-style: chr15-82689385-A-G. GRCh37 (hg19) VCF-style: chr15-83358137-A-G.
Other names: c.182T>C, p.Ile61Thr (NM_001278511.2, NM_001348440.2, NM_004644.5); short protein forms I61T.
Identifiers: ClinVar variation 1406225 (VCV001406225.5), dbSNP rs757139023, ClinGen allele CA7700594.
Genomic context (GRCh38, chr15:82,689,385, plus strand): 5'-CTCTTGGCCACCCAGGCCCCGCCCGGAGGGAGGCCTCCTCCTTCCCCTCTTACCGCCACA[A>G]TCCTCTTCATGGCCTCCAGCTTGAGAGAATCCTTGTTGGTGTCCAGCATCTCCTTCAGGT-3'
Protein context (NP_001265441.1, residues 51-71): DSLKLEAMKR[Ile61Thr]VAMIARGKNA